The following is an entry in ClinVar:

ClinVar aggregate classification (germline): Pathogenic (1 of 4 stars; one submission).

Conditions:
Neuronal ceroid lipofuscinosis. Also called: Neuronal Ceroid Lipofuscinoses. Identifiers: Orphanet 216, Orphanet 79263, MedGen C0027877, MONDO:0016295. Disease mechanism: loss of function.

Submission:

Labcorp Genetics (formerly Invitae), Labcorp
Classification: Pathogenic for Neuronal ceroid lipofuscinosis. Last evaluated: 2024-06-22. Review status: criteria provided, single submitter. Criteria: Invitae Variant Classification Sherloc (09022015). Collection method: clinical testing. Allele origin: germline.
Comment: This sequence change creates a premature translational stop signal (p.Gln229*) in the CLN6 gene. While this is not anticipated to result in nonsense mediated decay, it is expected to disrupt the last 83 amino acid(s) of the CLN6 protein. This variant is not present in population databases (gnomAD no frequency). This variant has not been reported in the literature in individuals affected with CLN6-related conditions. This variant disrupts a region of the CLN6 protein in which other variant(s) (p.Phe238Thr) have been determined to be pathogenic (PMID: 21549341, 30561534). This suggests that this is a clinically significant region of the protein, and that variants that disrupt it are likely to be disease-causing. For these reasons, this variant has been classified as Pathogenic.

Literature cited by the submitters: PubMed 21549341; PubMed 30561534.

NM_017882.3(CLN6):c.685C>T (p.Gln229Ter)

Gene: CLN6 (CLN6 transmembrane ER protein; minus strand). Cytogenetic location: 15q23.
Variant type: single nucleotide variant.
Coding change: c.685C>T on transcript NM_017882.3 (MANE Select); coding-DNA position 685, C replaced by T.
Protein change: p.Gln229Ter; replaces glutamine 229 with a stop codon.
Molecular consequence: nonsense.
Genome position (GRCh38, 1-based): chr15:68,208,391, G>A on the plus strand (C>T on the coding strand, the complement: CLN6 is on the minus strand). VCF-style: chr15-68208391-G-A. GRCh37 (hg19) VCF-style: chr15-68500729-G-A.
Other names: c.781C>T, p.Gln261Ter (NM_001411068.1); short protein forms Q229*, Q261*.
Identifiers: ClinVar variation 3657445 (VCV003657445.2).
Genomic context (GRCh38, chr15:68,208,391, plus strand): 5'-TCTGGTGCAGGACGAGGGCCAGCATGGCGAAGAAGGTGAAGATGAAGAGGATGAAGATCT[G>A]GCCCTCGGTGACCAGGTACCTGGAAAGGCCAGGGGTGAGTGAGGCAGCTGCCGTGGCAAC-3'